The following is an entry in ClinVar:

NM_000071.3(CBS):c.228C>T (p.Ile76=)

Gene: CBS (cystathionine beta-synthase; minus strand). Cytogenetic location: 21q22.3.
Variant type: single nucleotide variant.
Coding change: c.228C>T on transcript NM_000071.3 (MANE Select); coding-DNA position 228, C replaced by T.
Protein change: p.Ile76=; no amino-acid change (isoleucine 76 retained).
Molecular consequence: synonymous variant.
Genome position (GRCh38, 1-based): chr21:43,068,597, G>A on the plus strand (C>T on the coding strand, the complement: CBS is on the minus strand). VCF-style: chr21-43068597-G-A. GRCh37 (hg19) VCF-style: chr21-44488707-G-A.
Other names: c.228C>T, p.Ile76= (NM_001178008.3, NM_001178009.3, NM_001320298.2).
Identifiers: ClinVar variation 518039 (VCV000518039.10), dbSNP rs1555876151, ClinGen allele CA658799455.

ClinVar aggregate classification (germline): Likely benign. Review status: criteria provided, multiple submitters, no conflicts (2 of 4 stars). 3 submissions from 3 submitters: Likely benign (3). Last evaluated 2022-10-23.

Conditions:
Familial thoracic aortic aneurysm and aortic dissection (TAAD). Also called: Thoracic aortic aneurysms and dissections. Identifiers: Orphanet 91387, MedGen C4707243, MONDO:0019625.
HYPERHOMOCYSTEINEMIA, THROMBOTIC, CBS-RELATED. Identifiers: MedGen C3150344, OMIM 236200.

Submissions (3):

Ambry Genetics
Classification: Likely benign for Familial thoracic aortic aneurysm and aortic dissection. Last evaluated: 2022-10-23. Review status: criteria provided, single submitter. Criteria: Ambry Variant Classification Scheme 2023. Collection method: clinical testing. Allele origin: germline.

Labcorp Genetics (formerly Invitae), Labcorp
Classification: Likely benign for HYPERHOMOCYSTEINEMIA, THROMBOTIC, CBS-RELATED. Last evaluated: 2022-08-15. Review status: criteria provided, single submitter. Criteria: Invitae Variant Classification Sherloc (09022015). Collection method: clinical testing. Allele origin: germline.

GeneDx
Classification: Likely benign. Last evaluated: 2017-06-19. Review status: criteria provided, single submitter. Criteria: GeneDx Variant Classification (06012015). Collection method: clinical testing. Allele origin: germline. Affected: yes.
Comment: This variant is considered likely benign or benign based on one or more of the following criteria: it is a conservative change, it occurs at a poorly conserved position in the protein, it is predicted to be benign by multiple in silico algorithms, and/or has population frequency not consistent with disease.